The following is an entry in ClinVar:

ClinVar aggregate classification (germline): Pathogenic (1 of 4 stars; one submission).

Conditions:
Gastrointestinal stromal tumor. Also called: Gastrointestinal stromal tumor, somatic; Gastrointestinal stroma tumor. Identifiers: Orphanet 44890, MedGen C0238198, MeSH D046152, MONDO:0011719, OMIM 606764, HP:0100723.
Pheochromocytoma. Also called: MAX-Related Hereditary Paraganglioma-Pheochromocytoma Syndrome. Identifiers: Orphanet 29072, MedGen C0031511, MONDO:0008233, OMIM 171300, HP:0002666.
Pheochromocytoma/paraganglioma syndrome 4. Also called: PARAGANGLIOMA, FAMILIAL MALIGNANT; PARAGANGLIOMAS, HEREDITARY EXTRAADRENAL; PHEOCHROMOCYTOMA, FAMILIAL EXTRAADRENAL; Paragangliomas 4; SDHB-Related Hereditary Paraganglioma-Pheochromocytoma Syndrome (Paragangliomas 4); SDHB-Related Hereditary Paraganglioma-Pheochromocytoma Syndrome. Identifiers: Orphanet 29072, MedGen C1861848, MONDO:0007273, OMIM 115310.

Submission:

Labcorp Genetics (formerly Invitae), Labcorp
Classification: Pathogenic for Gastrointestinal stromal tumor; Pheochromocytoma/paraganglioma syndrome 4; Pheochromocytoma. Last evaluated: 2016-04-20. Review status: criteria provided, single submitter. Criteria: Invitae Variant Classification Sherloc (09022015). Collection method: clinical testing. Allele origin: germline.
Comment: For these reasons, this variant has been classified as Pathogenic. While this particular variant has not been reported in the literature, truncating variants in SDHB are known to be pathogenic (PMID: 19802898, 19454582). This sequence change deletes one nucleotide in exon 2 of the SDHB mRNA (c.126delT), causing a frameshift at codon 42. This creates a premature translational stop signal (p.Phe42Leufs*35) and is expected to result in an absent or disrupted protein product.

Literature cited by the submitters: PubMed 19802898; PubMed 19454582.

NM_003000.3(SDHB):c.126del (p.Phe42fs)

Gene: SDHB (succinate dehydrogenase complex iron sulfur subunit B; minus strand). Cytogenetic location: 1p36.13.
Variant type: Deletion.
Coding change: c.126del on transcript NM_003000.3 (MANE Select); coding-DNA position 126, one base deleted (T; older notation c.126delT).
Protein change: p.Phe42fs; shifts the reading frame from phenylalanine 42.
Molecular consequence: frameshift variant.
Genome position (GRCh38, 1-based): chr1:17,044,835, A deleted on the plus strand (T on the coding strand, the reverse complement: SDHB is on the minus strand); the first of 3 consecutive A bases (chr1:17,044,835-17,044,837); deleting any one gives the same sequence. VCF-style (leftmost placement, unchanged base first): chr1-17044834-CA-C. GRCh37 (hg19) VCF-style: chr1-17371329-CA-C.
Other names: c.126delT (NM_003000.2); short protein forms F42fs.
Identifiers: ClinVar variation 239421 (VCV000239421.5), dbSNP rs878854572, ClinGen allele CA10581752.